The following is an entry in ClinVar:

NM_001206927.2(DNAH8):c.6847C>T (p.Leu2283=)

Gene: DNAH8 (dynein axonemal heavy chain 8; plus strand). Cytogenetic location: 6p21.2.
Variant type: single nucleotide variant.
Coding change: c.6847C>T on transcript NM_001206927.2 (MANE Select); coding-DNA position 6847, C replaced by T.
Protein change: p.Leu2283=; no amino-acid change (leucine 2283 retained).
Molecular consequence: synonymous variant.
Genome position (GRCh38, 1-based): chr6:38,870,419, C>T. VCF-style: chr6-38870419-C-T. GRCh37 (hg19) VCF-style: chr6-38838195-C-T.
Other names: c.6196C>T, p.Leu2066= (NM_001371.4); c.6847C>T (NM_001206927.1).
Identifiers: ClinVar variation 1104228 (VCV001104228.12), dbSNP rs200508313, ClinGen allele CA3789779.

ClinVar aggregate classification (germline): Likely benign. Review status: criteria provided, multiple submitters, no conflicts (2 of 4 stars). 3 submissions from 3 submitters: Likely benign (2). 1 of the submissions does not count toward it. Last evaluated 2025-12-01.

Conditions:
DNAH8-related disorder. Also called: DNAH8-related condition.
Primary ciliary dyskinesia. Also called: Ciliary dyskinesia. Identifiers: Orphanet 244, MedGen C0008780, MONDO:0016575, HP:0012265.

Allele frequency attached by ClinVar (database versions not stated): ExAC 0.00003; gnomAD exomes 0.00007 and 0.00009; ESP Exome Variant Server 0.00008; TOPMed 0.00008; gnomAD 0.00009 and 0.00010.

Submissions (3):

Labcorp Genetics (formerly Invitae), Labcorp
Classification: Likely benign for Primary ciliary dyskinesia. Last evaluated: 2025-12-01. Review status: criteria provided, single submitter. Criteria: Invitae Variant Classification Sherloc (09022015). Collection method: clinical testing. Allele origin: germline.

Blueprint Genetics
Classification: Likely benign. Last evaluated: 2024-02-21. Review status: criteria provided, single submitter. Criteria: ACMG Guidelines, 2015. Collection method: clinical testing. Allele origin: germline.

PreventionGenetics, part of Exact Sciences
Classification: Likely benign for DNAH8-related condition. Last evaluated: 2019-05-01. Review status: no assertion criteria provided. Collection method: clinical testing. Allele origin: germline. Not counted in ClinVar's aggregate classification.
Comment: This variant is classified as likely benign based on ACMG/AMP sequence variant interpretation guidelines (Richards et al. 2015 PMID: 25741868, with internal and published modifications).